The following is an entry in ClinVar:

NM_001252024.2(TRPM1):c.3833C>T (p.Thr1278Met)

Gene: TRPM1 (transient receptor potential cation channel subfamily M member 1; minus strand). Cytogenetic location: 15q13.3.
Variant type: single nucleotide variant.
Coding change: c.3833C>T on transcript NM_001252024.2 (MANE Select); coding-DNA position 3833, C replaced by T.
Protein change: p.Thr1278Met; replaces threonine 1278 with methionine.
Molecular consequence: missense variant.
Genome position (GRCh38, 1-based): chr15:31,002,867, G>A on the plus strand (C>T on the coding strand, the complement: TRPM1 is on the minus strand). VCF-style: chr15-31002867-G-A. GRCh37 (hg19) VCF-style: chr15-31295070-G-A.
Other names: c.3884C>T, p.Thr1295Met (NM_001252020.2); c.3767C>T, p.Thr1256Met (NM_002420.6); c.3767C>T (NM_002420.4); short protein forms T1278M, T1256M, T1295M.
Identifiers: ClinVar variation 964131 (VCV000964131.8), dbSNP rs768051814, ClinGen allele CA7451747.

ClinVar aggregate classification (germline): Uncertain significance. Review status: criteria provided, multiple submitters, no conflicts (2 of 4 stars). 2 submissions from 2 submitters: Uncertain significance (2). Last evaluated 2022-12-19.

Conditions:
Inborn genetic diseases. Identifiers: MedGen C0950123, MeSH D030342.

Allele frequency attached by ClinVar (database versions not stated): gnomAD exomes 0.00002 and 0.00005; TOPMed 0.00002; gnomAD 0.00003; ExAC 0.00004.
gnomAD v4.1: 37 of 1,614,056 alleles (0.0023%); highest among the groups gnomAD compares: Middle Eastern, 0.049%; no homozygotes.

Submissions (2):

Ambry Genetics
Classification: Uncertain significance for Inborn genetic diseases. Last evaluated: 2022-12-19. Review status: criteria provided, single submitter. Criteria: Ambry Variant Classification Scheme 2023. Collection method: clinical testing. Allele origin: germline.

Labcorp Genetics (formerly Invitae), Labcorp
Classification: Uncertain significance. Last evaluated: 2022-07-11. Review status: criteria provided, single submitter. Criteria: Invitae Variant Classification Sherloc (09022015). Collection method: clinical testing. Allele origin: germline.
Comment: This sequence change replaces threonine, which is neutral and polar, with methionine, which is neutral and non-polar, at codon 1256 of the TRPM1 protein (p.Thr1256Met). This variant is present in population databases (rs768051814, gnomAD 0.009%). This variant has not been reported in the literature in individuals affected with TRPM1-related conditions. ClinVar contains an entry for this variant (Variation ID: 964131). Algorithms developed to predict the effect of missense changes on protein structure and function are either unavailable or do not agree on the potential impact of this missense change (SIFT: "Deleterious"; PolyPhen-2: "Possibly Damaging"; Align-GVGD: "Class C15"). In summary, the available evidence is currently insufficient to determine the role of this variant in disease. Therefore, it has been classified as a Variant of Uncertain Significance.